The following is an entry in ClinVar:

ClinVar aggregate classification (germline): Uncertain significance (1 of 4 stars; one submission).

Conditions:
Aicardi-Goutieres syndrome 6 (AGS6). Identifiers: Orphanet 51, MedGen C3539013, MONDO:0014007, OMIM 615010.
Symmetrical dyschromatosis of extremities (DSH). Also called: Dyschromatosis symmetrica hereditaria; DYSCHROMATOSIS SYMMETRICA HEREDITARIA 1; RETICULATE ACROPIGMENTATION OF DOHI; SYMMETRIC DYSCHROMATOSIS OF THE EXTREMITIES. Identifiers: Orphanet 41, MedGen C0406775, MONDO:0007483, OMIM 127400.

Submission:

Labcorp Genetics (formerly Invitae), Labcorp
Classification: Uncertain significance for Aicardi-Goutieres syndrome 6; Symmetrical dyschromatosis of extremities. Last evaluated: 2025-12-27. Review status: criteria provided, single submitter. Criteria: Invitae Variant Classification Sherloc (09022015). Collection method: clinical testing. Allele origin: germline.
Comment: This sequence change replaces serine, which is neutral and polar, with tyrosine, which is neutral and polar, at codon 1181 of the ADAR protein (p.Ser1181Tyr). This variant is not present in population databases (gnomAD no frequency). This variant has not been reported in the literature in individuals affected with ADAR-related conditions. Invitae Evidence Modeling of protein sequence and biophysical properties (such as structural, functional, and spatial information, amino acid conservation, physicochemical variation, residue mobility, and thermodynamic stability) indicates that this missense variant is not expected to disrupt ADAR protein function with a negative predictive value of 80%. In summary, the available evidence is currently insufficient to determine the role of this variant in disease. Therefore, it has been classified as a Variant of Uncertain Significance.

NM_001111.5(ADAR):c.3542C>A (p.Ser1181Tyr)

Gene: ADAR (adenosine deaminase RNA specific; minus strand). Cytogenetic location: 1q21.3.
Variant type: single nucleotide variant.
Coding change: c.3542C>A on transcript NM_001111.5 (MANE Select); coding-DNA position 3542, C replaced by A.
Protein change: p.Ser1181Tyr; replaces serine 1181 with tyrosine.
Molecular consequence: missense variant.
Genome position (GRCh38, 1-based): chr1:154,584,945, G>T on the plus strand (C>A on the coding strand, the complement: ADAR is on the minus strand). VCF-style: chr1-154584945-G-T. GRCh37 (hg19) VCF-style: chr1-154557421-G-T.
Other names: c.3407C>A, p.Ser1136Tyr (NM_015841.4); c.2657C>A, p.Ser886Tyr (NM_001025107.3, NM_001193495.2, NM_001365046.1 and 2 more transcripts); c.3569C>A, p.Ser1190Tyr (NM_001365045.1); c.2579C>A, p.Ser860Tyr (NM_001365049.1); c.3464C>A, p.Ser1155Tyr (NM_015840.4); short protein forms S1136Y, S1190Y, S860Y, S1181Y, S886Y, S1155Y.
Identifiers: ClinVar variation 4782487 (VCV004782487.1).
Genomic context (GRCh38, chr1:154,584,945, plus strand): 5'-TTTTTGAAGTAGTTCTTGGCCGTCTCGTAGTCACGGGCAGCTTTCTTGGCCTCACCATAG[G>T]AGAGTCTCAGTAGATCCCTGCGGTAACGGAAGGAGCAGAGCTTCTTAAATAGAAGAAAAA-3'
Protein context (NP_001102.3, residues 1171-1191): FRYRRDLLRL[Ser1181Tyr]YGEAKKAARD